The following is an entry in ClinVar:

ClinVar aggregate classification (germline): Likely pathogenic (1 of 4 stars; one submission).

Conditions:
Fanconi anemia complementation group E (FANCE). Also called: FANCE-Related Fanconi Anemia. Identifiers: Orphanet 84, MedGen C3160739, MONDO:0010953, OMIM 600901.

Submission:

Labcorp Genetics (formerly Invitae), Labcorp
Classification: Likely pathogenic for Fanconi anemia complementation group E. Last evaluated: 2022-10-26. Review status: criteria provided, single submitter. Criteria: Invitae Variant Classification Sherloc (09022015). Collection method: clinical testing. Allele origin: germline.
Comment: In summary, the currently available evidence indicates that the variant is pathogenic, but additional data are needed to prove that conclusively. Therefore, this variant has been classified as Likely Pathogenic. Experimental studies and prediction algorithms are not available or were not evaluated, and the functional significance of this variant is currently unknown. This variant has not been reported in the literature in individuals affected with FANCE-related conditions. This variant results in the deletion of part of exon 2 (c.304_855+155delinsGGACTCCCAGGGAG) of the FANCE gene. It is expected to disrupt RNA splicing. Variants that disrupt the donor or acceptor splice site typically lead to a loss of protein function (PMID: 16199547), and loss-of-function variants in FANCE are known to be pathogenic (PMID: 11001585, 17924555).

Literature cited by the submitters: PubMed 16199547; PubMed 11001585; PubMed 17924555.

NC_000006.11:g.(?_35423579)_(35424285_?)del

Gene: FANCE (FA complementation group E; plus strand). Cytogenetic location: 6p21.31.
Variant type: Deletion.
Identifiers: ClinVar variation 2426690 (VCV002426690.4).